The following is an entry in ClinVar:

ClinVar aggregate classification (germline): Uncertain significance (1 of 4 stars; one submission).

Conditions:
Jeune thoracic dystrophy. Also called: Jeune syndrome; Infantile thoracic dystrophy; Thoracic pelvic phalangeal dystrophy; Jeune's syndrome; Chondroectodermal dysplasia-like syndrome; Short-rib thoracic dysplasia. Identifiers: Orphanet 474, MedGen C0265275, MONDO:0018770.
Nephronophthisis. Also called: Juvenile Nephronophthisis. Identifiers: Orphanet 655, MedGen C0687120, MONDO:0019005, HP:0000090.

Allele frequency attached by ClinVar (database versions not stated): gnomAD exomes below 0.00001; gnomAD 0.00001.
gnomAD v4.1: 5 of 1,613,192 alleles (0.00031%); highest among the groups gnomAD compares: Non-Finnish European, 0.00017%; no homozygotes.

Submission:

Labcorp Genetics (formerly Invitae), Labcorp
Classification: Uncertain significance for Jeune thoracic dystrophy; Nephronophthisis. Last evaluated: 2022-08-15. Review status: criteria provided, single submitter. Criteria: Invitae Variant Classification Sherloc (09022015). Collection method: clinical testing. Allele origin: germline.
Comment: In summary, the available evidence is currently insufficient to determine the role of this variant in disease. Therefore, it has been classified as a Variant of Uncertain Significance. Algorithms developed to predict the effect of missense changes on protein structure and function are either unavailable or do not agree on the potential impact of this missense change (SIFT: "Deleterious"; PolyPhen-2: "Benign"; Align-GVGD: "Class C35"). ClinVar contains an entry for this variant (Variation ID: 1479373). This variant has not been reported in the literature in individuals affected with TTC21B-related conditions. This variant is not present in population databases (gnomAD no frequency). This sequence change replaces tyrosine, which is neutral and polar, with histidine, which is basic and polar, at codon 928 of the TTC21B protein (p.Tyr928His).

NM_024753.5(TTC21B):c.2782T>C (p.Tyr928His)

Gene: TTC21B (tetratricopeptide repeat domain 21B; minus strand). Cytogenetic location: 2q24.3.
Variant type: single nucleotide variant.
Coding change: c.2782T>C on transcript NM_024753.5 (MANE Select); coding-DNA position 2782, T replaced by C.
Protein change: p.Tyr928His; replaces tyrosine 928 with histidine.
Molecular consequence: missense variant.
Genome position (GRCh38, 1-based): chr2:165,899,856, A>G on the plus strand (T>C on the coding strand, the complement: TTC21B is on the minus strand). VCF-style: chr2-165899856-A-G. GRCh37 (hg19) VCF-style: chr2-166756366-A-G.
Other names: short protein forms Y928H.
Identifiers: ClinVar variation 1479373 (VCV001479373.8), dbSNP rs1685493736, ClinGen allele CA349050465.